The following is an entry in ClinVar:

NM_015627.3(LDLRAP1):c.344+1G>A

Gene: LDLRAP1 (low density lipoprotein receptor adaptor protein 1; plus strand). Cytogenetic location: 1p36.11.
Variant type: single nucleotide variant.
Coding change: c.344+1G>A on transcript NM_015627.3 (MANE Select); the canonical splice donor site of the intron after coding-DNA position 344, G replaced by A.
Molecular consequence: splice donor variant.
Genome position (GRCh38, 1-based): chr1:25,554,973, G>A. VCF-style: chr1-25554973-G-A. GRCh37 (hg19) VCF-style: chr1-25881464-G-A.
Other names: c.344+1G>A (NM_015627.2).
Identifiers: ClinVar variation 1324659 (VCV001324659.12), dbSNP rs545662810, ClinGen allele CA19674765.

ClinVar aggregate classification (germline): Pathogenic/Likely pathogenic. Review status: criteria provided, multiple submitters, no conflicts (2 of 4 stars). 5 submissions from 5 submitters: Pathogenic (2); Likely pathogenic (3). Last evaluated 2024-04-17.

Conditions:
Cardiovascular phenotype. Identifiers: MedGen CN230736.
Familial hypercholesterolemia. Also called: Familial hypercholesterolemias; Familial hypercholesterolaemia. Identifiers: MedGen C0020445, MONDO:0005439.
Hypercholesterolemia, familial, 4 (FHCL4). Also called: HYPERCHOLESTEROLEMIA, AUTOSOMAL RECESSIVE, 1; HYPERCHOLESTEROLEMIA, AUTOSOMAL RECESSIVE, 2. Identifiers: Orphanet 391665, MedGen C1863512, MONDO:0011374, OMIM 603813.

Allele frequency attached by ClinVar (database versions not stated): gnomAD exomes 0.00001.
gnomAD v4.1: 9 of 1,611,078 alleles (0.00056%); highest among the groups gnomAD compares: South Asian, 0.0011%; no homozygotes.

Submissions (5):

Natera, Inc.
Classification: Pathogenic for Familial hypercholesterolemia. Last evaluated: 2024-04-17. Review status: criteria provided, single submitter. Criteria: Natera Variant Classification Schema (03/2026). Collection method: clinical testing. Allele origin: germline.
Comment: The c.344+1G>A variant in LDLRAP1 is a canonical splice donor site variant predicted to affect pre-mRNA splicing, which may result in an abnormal transcript and altered protein product. This variant is expected to result in nonsense mediated decay, truncation, or a dysfunctional protein product. This variant is rare in the general population with a frequency below the threshold expected for the associated phenotype(s). This variant has been observed in one or more individuals affected with the associated recessive disease, as either homozygous or compound heterozygous with a second variant (PMID: 29396260, 28964736). Given the available evidence, this variant is classified as Pathogenic.

Genome-Nilou Lab
Classification: Likely pathogenic for Hypercholesterolemia, familial, 4. Last evaluated: 2023-04-11. Review status: criteria provided, single submitter. Criteria: ACMG Guidelines, 2015. Collection method: clinical testing. Allele origin: germline. Affected: no.

Labcorp Genetics (formerly Invitae), Labcorp
Classification: Likely pathogenic for Hypercholesterolemia, familial, 4. Last evaluated: 2022-11-09. Review status: criteria provided, single submitter. Criteria: Invitae Variant Classification Sherloc (09022015). Collection method: clinical testing. Allele origin: germline.
Comment: This sequence change affects a donor splice site in intron 3 of the LDLRAP1 gene. It is expected to disrupt RNA splicing. Variants that disrupt the donor or acceptor splice site typically lead to a loss of protein function (PMID: 16199547), and loss-of-function variants in LDLRAP1 are known to be pathogenic (PMID: 11326085, 12464675). This variant is not present in population databases (gnomAD no frequency). This variant has not been reported in the literature in individuals affected with LDLRAP1-related conditions. ClinVar contains an entry for this variant (Variation ID: 1324659). Algorithms developed to predict the effect of sequence changes on RNA splicing suggest that this variant may disrupt the consensus splice site. In summary, the currently available evidence indicates that the variant is pathogenic, but additional data are needed to prove that conclusively. Therefore, this variant has been classified as Likely Pathogenic.

Revvity Omics, Revvity
Classification: Likely pathogenic for Hypercholesterolemia, familial, 4. Last evaluated: 2021-06-07. Review status: criteria provided, single submitter. Criteria: ACMG Guidelines, 2015. Collection method: clinical testing. Allele origin: germline.

Ambry Genetics
Classification: Pathogenic for Cardiovascular phenotype. Last evaluated: 2021-02-18. Review status: criteria provided, single submitter. Criteria: Ambry Variant Classification Scheme 2023. Collection method: clinical testing. Allele origin: germline.
Comment: The c.344+1G>A intronic pathogenic mutation results from a G to A substitution one nucleotide after coding exon 3 of the LDLRAP1 gene. This variant has been detected in the homozygous state in an individual reported to have familial hypercholesterolemia (Hartgers ML et al. J Clin Lipidol Dec;12:390-396.e8). This variant was not reported in population-based cohorts in the Genome Aggregation Database (gnomAD). In silico splice site analysis predicts that this alteration will weaken the native splice donor site. Alterations that disrupt the canonical splice site are expected to cause aberrant splicing, resulting in an abnormal protein or a transcript that is subject to nonsense-mediated mRNA decay. As such, this alteration is classified as a disease-causing mutation.

Literature cited by the submitters: PubMed 29396260 (cited by Natera, Inc. and Ambry Genetics); PubMed 28964736 (cited by Natera, Inc. and Ambry Genetics); PubMed 16199547 (cited by Labcorp Genetics (formerly Invitae), Labcorp); PubMed 11326085 (cited by Labcorp Genetics (formerly Invitae), Labcorp); PubMed 12464675 (cited by Labcorp Genetics (formerly Invitae), Labcorp).